The following is an entry in ClinVar:

NM_000057.4(BLM):c.3718A>G (p.Ile1240Val)

Gene: BLM (BLM RecQ like helicase; plus strand). Cytogenetic location: 15q26.1.
Variant type: single nucleotide variant.
Coding change: c.3718A>G on transcript NM_000057.4 (MANE Select); coding-DNA position 3718, A replaced by G.
Protein change: p.Ile1240Val; replaces isoleucine 1240 with valine.
Molecular consequence: missense variant. On other transcripts: intron variant (1).
Genome position (GRCh38, 1-based): chr15:90,804,326, A>G. VCF-style: chr15-90804326-A-G. GRCh37 (hg19) VCF-style: chr15-91347556-A-G.
Other names: c.3718A>G, p.Ile1240Val (NM_001287246.2); c.2593A>G, p.Ile865Val (NM_001287248.2); c.3359-4811A>G (NM_001287247.2); short protein forms I1240V, I865V.
Identifiers: ClinVar variation 1734253 (VCV001734253.2), dbSNP rs2505550365, ClinGen allele CA393848241.
Genomic context (GRCh38, chr15:90,804,326, plus strand): 5'-GGAGAACTTACAGAAGTCTGCAAATCTCTGGGGAAAGTTTTTGGTGTCCATTACTTCAAT[A>G]TTTTTAATACCGTCACTCTCAAGAAGCTTGCAGGTGGGTACACATGTATCCTTTGTTACG-3'
Protein context (NP_000048.1, residues 1230-1250): GKVFGVHYFN[Ile1240Val]FNTVTLKKLA

ClinVar aggregate classification (germline): Uncertain significance (1 of 4 stars; one submission).

Conditions:
Hereditary cancer-predisposing syndrome. Also called: Neoplastic Syndromes, Hereditary; Tumor predisposition; Hereditary Cancer Syndrome; Hereditary neoplastic syndrome. Identifiers: Orphanet 140162, MedGen C0027672, MeSH D009386, MONDO:0015356.

Allele frequency attached by ClinVar (database versions not stated): gnomAD exomes below 0.00001.
gnomAD v4.1: 1 of 1,614,164 alleles (0.000062%); highest among the groups gnomAD compares: East Asian, 0.0022%; no homozygotes.

Submission:

Ambry Genetics
Classification: Uncertain significance for Hereditary cancer-predisposing syndrome. Last evaluated: 2021-03-03. Review status: criteria provided, single submitter. Criteria: Ambry Variant Classification Scheme 2023. Collection method: clinical testing. Allele origin: germline.
Comment: The p.I1240V variant (also known as c.3718A>G), located in coding exon 18 of the BLM gene, results from an A to G substitution at nucleotide position 3718. The isoleucine at codon 1240 is replaced by valine, an amino acid with highly similar properties. This amino acid position is highly conserved in available vertebrate species. In addition, this alteration is predicted to be tolerated by in silico analysis. Since supporting evidence is limited at this time, the clinical significance of this alteration remains unclear.